The following is an entry in ClinVar:

ClinVar aggregate classification (germline): Likely pathogenic (1 of 4 stars; one submission).

Conditions:
Cardiac anomalies - developmental delay - facial dysmorphism syndrome (MRFACD). Also called: Impaired intellectual development and distinctive facial features with or without cardiac defects; MED13L Syndrome. Identifiers: Orphanet 369891, MedGen C5192431, MONDO:0014773, OMIM 616789.

Submission:

Servicio Canario de Salud, Hospital Universitario Nuestra Sra. de Candelaria
Classification: Likely pathogenic for Cardiac anomalies - developmental delay - facial dysmorphism syndrome. Last evaluated: 2025-05-20. Review status: criteria provided, single submitter. Criteria: ACMG Guidelines, 2015. Collection method: clinical testing. Allele origin: de novo. Inheritance: Autosomal dominant inheritance. Affected: yes.
Comment: The c.6076_6105dup; Dysmorphic features (narrow face, widely spaced eyes, large mouth with mild prognathism, bulbous or pear-shaped nasal tip, elongated and narrow head), joint hypermobility, irreducible clubfoot, crowded toes (2 and 4 out of 3). Hyperkeratosis on the hands, keloid scar on the chest. Constant rumination/guttural sounds, restless. Gait with support in equinus position, unsteady, better with splints, requires support. Evoked reflexes but weak. Sunken chest. This variant is a de novo change (both maternity and paternity confirmed) and has never been reported in ABCC9 related-disorders. This variant was absent from large population studies (gnomAD no frequency).

NM_015335.5(MED13L):c.6076_6105dup

Gene: MED13L (mediator complex subunit 13L; minus strand). Cytogenetic location: 12q24.21.
Variant type: Duplication.
Coding change: c.6076_6105dup on transcript NM_015335.5 (MANE Select); coding-DNA positions 6076 to 6105, 30 bases duplicated (TTTGTTGACCTTCCATTCCCAGATGATATG).
Molecular consequence: splice acceptor variant.
Genome position (GRCh38, 1-based): chr12:115,969,060-115,969,089, CATATCATCTGGGAATGGAAGGTCAACAAA duplicated on the plus strand (TTTGTTGACCTTCCATTCCCAGATGATATG on the coding strand, the reverse complement: MED13L is on the minus strand); duplicating any 30 consecutive bases within chr12:115,969,060-115,969,099 gives the same sequence; the c. name uses the placement nearest the transcript's 3' end. VCF-style (leftmost placement, unchanged base first): chr12-115969059-C-CCATATCATCTGGGAATGGAAGGTCAACAAA. GRCh37 (hg19) VCF-style: chr12-116406864-C-CCATATCATCTGGGAATGGAAGGTCAACAAA.
Identifiers: ClinVar variation 3900607 (VCV003900607.1).